The following is an entry in ClinVar:

ClinVar aggregate classification (germline): Uncertain significance (1 of 4 stars; one submission).

Conditions:
Inborn genetic diseases. Identifiers: MedGen C0950123, MeSH D030342.

gnomAD v4.1: 3 of 1,612,642 alleles (0.00019%); highest among the groups gnomAD compares: Non-Finnish European, 0.00025%; no homozygotes.

Submission:

Ambry Genetics
Classification: Uncertain significance for Inborn genetic diseases. Last evaluated: 2025-11-02. Review status: criteria provided, single submitter. Criteria: Ambry Variant Classification Scheme 2023. Collection method: clinical testing. Allele origin: germline.
Comment: The p.V1701L variant (also known as c.5101G>T), located in coding exon 34 of the ANKRD26 gene, results from a G to T substitution at nucleotide position 5101. The valine at codon 1701 is replaced by leucine, an amino acid with highly similar properties. This amino acid position is conserved. In addition, this alteration is predicted to be tolerated by in silico analysis. Based on the available evidence, the clinical significance of this variant remains unclear.

NM_014915.3(ANKRD26):c.5101G>T (p.Val1701Leu)

Gene: ANKRD26 (ankyrin repeat domain 26; minus strand). Cytogenetic location: 10p12.1.
Variant type: single nucleotide variant.
Coding change: c.5101G>T on transcript NM_014915.3 (MANE Select); coding-DNA position 5101, G replaced by T.
Protein change: p.Val1701Leu; replaces valine 1701 with leucine.
Molecular consequence: missense variant.
Genome position (GRCh38, 1-based): chr10:27,005,622, C>A on the plus strand (G>T on the coding strand, the complement: ANKRD26 is on the minus strand). VCF-style: chr10-27005622-C-A. GRCh37 (hg19) VCF-style: chr10-27294551-C-A.
Other names: c.5098G>T, p.Val1700Leu (NM_001256053.2); short protein forms V1700L, V1701L.
Identifiers: ClinVar variation 3872248 (VCV003872248.2).
Genomic context (GRCh38, chr10:27,005,622, plus strand): 5'-AAACAGCCCAGTAATAAAATCTTATCTTTCAGATCATATAATTTTTCTTTAAAACCTGTA[C>A]ATATTCTCTTGATGCTTTCCAAACTAGATCTTGATTTAGATTTGACTCATCAGTAGACCC-3'
Protein context (NP_055730.2, residues 1691-1710): DLVWKASREY[Val1701Leu]QVLKKNYMI